The following is an entry in ClinVar:

ClinVar aggregate classification (germline): Uncertain significance (1 of 4 stars; one submission).

gnomAD v4.1: 9 of 1,613,890 alleles (0.00056%); highest among the groups gnomAD compares: Admixed American, 0.0033%; no homozygotes.

Submission:

Labcorp Genetics (formerly Invitae), Labcorp
Classification: Uncertain significance. Last evaluated: 2025-10-19. Review status: criteria provided, single submitter. Criteria: Invitae Variant Classification Sherloc (09022015). Collection method: clinical testing. Allele origin: germline.
Comment: This sequence change replaces valine, which is neutral and non-polar, with isoleucine, which is neutral and non-polar, at codon 1167 of the DUOX2 protein (p.Val1167Ile). This variant is present in population databases (rs760172069, gnomAD 0.003%). This variant has not been reported in the literature in individuals affected with DUOX2-related conditions. Invitae Evidence Modeling of protein sequence and biophysical properties (such as structural, functional, and spatial information, amino acid conservation, physicochemical variation, residue mobility, and thermodynamic stability) indicates that this missense variant is not expected to disrupt DUOX2 protein function with a negative predictive value of 80%. In summary, the available evidence is currently insufficient to determine the role of this variant in disease. Therefore, it has been classified as a Variant of Uncertain Significance.

NM_001363711.2(DUOX2):c.3499G>A (p.Val1167Ile)

Gene: DUOX2 (dual oxidase 2; minus strand). Cytogenetic location: 15q21.1.
Variant type: single nucleotide variant.
Coding change: c.3499G>A on transcript NM_001363711.2 (MANE Select); coding-DNA position 3499, G replaced by A.
Protein change: p.Val1167Ile; replaces valine 1167 with isoleucine.
Molecular consequence: missense variant.
Genome position (GRCh38, 1-based): chr15:45,099,399, C>T on the plus strand (G>A on the coding strand, the complement: DUOX2 is on the minus strand). VCF-style: chr15-45099399-C-T. GRCh37 (hg19) VCF-style: chr15-45391597-C-T.
Other names: c.3499G>A, p.Val1167Ile (NM_014080.5); short protein forms V1167I.
Identifiers: ClinVar variation 4697969 (VCV004697969.1).
Genomic context (GRCh38, chr15:45,099,399, plus strand): 5'-GGCCCACCCTATGAGTCCCAGGAGAAACCATCCCCAGAACTGACCCATCATTCACAAAGA[C>T]GTTGGGGAATATGCAGGCCAGCAGGCTGAGTGGGCTGACTGAGAAGATGTAGACATTGAC-3'
Protein context (NP_001350640.1, residues 1157-1177): LSLLACIFPN[Val1167Ile]FVNDGSKLPQ